The following is an entry in ClinVar:

NM_001267550.2(TTN):c.82546T>A (p.Trp27516Arg)

Genes: TTN (titin; minus strand), TTN-AS1 (TTN antisense RNA 1; plus strand). Cytogenetic location: 2q31.2.
Variant type: single nucleotide variant.
Coding change: c.82546T>A on transcript NM_001267550.2 (MANE Select); coding-DNA position 82546, T replaced by A.
Protein change: p.Trp27516Arg; replaces tryptophan 27516 with arginine.
Molecular consequence: missense variant.
Genome position (GRCh38, 1-based): chr2:178,563,586, A>T on the plus strand (T>A on the coding strand, the complement: TTN is on the minus strand). VCF-style: chr2-178563586-A-T. GRCh37 (hg19) VCF-style: chr2-179428313-A-T.
Other names: c.77623T>A, p.Trp25875Arg (NM_001256850.1); c.55351T>A, p.Trp18451Arg (NM_003319.4); c.74842T>A, p.Trp24948Arg (NM_133378.4); c.55726T>A, p.Trp18576Arg (NM_133432.3); c.55927T>A, p.Trp18643Arg (NM_133437.4); short protein forms W25875R, W18643R, W24948R, W27516R, W18451R, W18576R.
Identifiers: ClinVar variation 1748159 (VCV001748159.2), dbSNP rs749677127, ClinGen allele CA1989052.
Genomic context (GRCh38, chr2:178,563,586, plus strand): 5'-CGGTAAGACCAGTTACCCTGAGCCGCAGATCCGTTAATGTTTTCTTGTTGCACTTGGTCC[A>T]TCTAACGCCTTCCTTATCTCGTTTTTCAAGAATGTAGCCCTCAATTTCGGTACCTCCGTC-3'
Protein context (NP_001254479.2, residues 27506-27526): LEKRDKEGVR[Trp27516Arg]TKCNKKTLTD

ClinVar aggregate classification (germline): Uncertain significance (1 of 4 stars; one submission).

Conditions:
Cardiovascular phenotype. Identifiers: MedGen CN230736.

Allele frequency attached by ClinVar (database versions not stated): gnomAD exomes below 0.00001; TOPMed below 0.00001; ExAC 0.00001.
gnomAD v4.1: 1 of 1,613,782 alleles (0.000062%); highest among the groups gnomAD compares: Non-Finnish European, 0.000085%; no homozygotes.

Submission:

Ambry Genetics
Classification: Uncertain significance for Cardiovascular phenotype. Last evaluated: 2018-10-04. Review status: criteria provided, single submitter. Criteria: Ambry Variant Classification Scheme 2023. Collection method: clinical testing. Allele origin: germline.
Comment: The p.W18451R variant (also known as c.55351T>A), located in coding exon 153 of the TTN gene, results from a T to A substitution at nucleotide position 55351. The tryptophan at codon 18451 is replaced by arginine, an amino acid with dissimilar properties. This variant was reported [as NM_133378.4:c.74842T>A p.W24948R] in a sudden unexplained death case; however, additional cardiac variants were also identified and clinical evidence was limited (Sanchez O et al. PLoS ONE, 2016 Dec;11:e0167358). This amino acid position is highly conserved in available vertebrate species. In addition, the in silico prediction for this alteration is inconclusive. Since supporting evidence is limited at this time, the clinical significance of this alteration remains unclear.

Literature cited by the submitters: PubMed 27930701.